The following is an entry in ClinVar:

ClinVar aggregate classification (germline): Likely benign (1 of 4 stars; one submission).

Allele frequency attached by ClinVar (database versions not stated): 1000 Genomes Project 0.00459; 1000 Genomes Project 30x 0.00468; gnomAD 0.00816 and 0.00830; TOPMed 0.00842.
gnomAD v4.1: 1,271 of 152,308 alleles (0.83%); highest among the groups gnomAD compares: Middle Eastern, 2%; 8 homozygotes.

Submission:

GeneDx
Classification: Likely benign. Last evaluated: 2018-06-14. Review status: criteria provided, single submitter. Criteria: GeneDx Variant Classification (06012015). Collection method: clinical testing. Allele origin: germline. Affected: yes.
Comment: This variant is considered likely benign or benign based on one or more of the following criteria: it is a conservative change, it occurs at a poorly conserved position in the protein, it is predicted to be benign by multiple in silico algorithms, and/or has population frequency not consistent with disease.

NM_005726.6(TSFM):c.232-210G>A

Gene: TSFM (Ts translation elongation factor, mitochondrial; plus strand). Cytogenetic location: 12q14.1.
Variant type: single nucleotide variant.
Coding change: c.232-210G>A on transcript NM_005726.6 (MANE Select); 210 bases into the intron before coding-DNA position 232, G replaced by A.
Molecular consequence: intron variant.
Genome position (GRCh38, 1-based): chr12:57,785,953, G>A. VCF-style: chr12-57785953-G-A. GRCh37 (hg19) VCF-style: chr12-58179736-G-A.
Other names: c.232-210G>A (NM_001172697.2, NM_001172696.2, NM_001172695.2).
Identifiers: ClinVar variation 679385 (VCV000679385.1), dbSNP rs117379933, ClinGen allele CA13622587.